The following is an entry in ClinVar:

NM_198253.3(TERT):c.1629G>T (p.Lys543Asn)

Gene: TERT (telomerase reverse transcriptase; minus strand). Cytogenetic location: 5p15.33.
Variant type: single nucleotide variant.
Coding change: c.1629G>T on transcript NM_198253.3 (MANE Select); coding-DNA position 1629, G replaced by T.
Protein change: p.Lys543Asn; replaces lysine 543 with asparagine.
Molecular consequence: missense variant. On other transcripts: non-coding transcript variant (2).
Genome position (GRCh38, 1-based): chr5:1,282,569, C>A on the plus strand (G>T on the coding strand, the complement: TERT is on the minus strand). VCF-style: chr5-1282569-C-A. GRCh37 (hg19) VCF-style: chr5-1282684-C-A.
Other names: c.1629G>T, p.Lys543Asn (NM_001193376.3); short protein forms K543N.
Identifiers: ClinVar variation 4865453 (VCV004865453.1).

ClinVar aggregate classification (germline): Uncertain significance (1 of 4 stars; one submission).

Conditions:
Dyskeratosis congenita. Identifiers: Orphanet 1775, MedGen C0265965, MONDO:0015780.

Submission:

Ambry Genetics
Classification: Uncertain significance for Dyskeratosis congenita. Last evaluated: 2026-03-17. Review status: criteria provided, single submitter. Criteria: Ambry Variant Classification Scheme 2023. Collection method: clinical testing. Allele origin: germline.
Comment: The p.K543N variant (also known as c.1629G>T), located in coding exon 3 of the TERT gene, results from a G to T substitution at nucleotide position 1629. The lysine at codon 543 is replaced by asparagine, an amino acid with similar properties. This amino acid position is conserved. In addition, this alteration is predicted to be tolerated by in silico analysis. Based on the available evidence, the clinical significance of this variant remains unclear.